The following is an entry in ClinVar:

ClinVar aggregate classification (germline): Conflicting classifications of pathogenicity. Review status: criteria provided, conflicting classifications (1 of 4 stars). 13 submissions from 13 submitters: Pathogenic (1); Likely pathogenic (8); Uncertain significance (4). Last evaluated 2026-06-19.

Conditions:
Hereditary cancer-predisposing syndrome. Also called: Neoplastic Syndromes, Hereditary; Tumor predisposition; Hereditary Cancer Syndrome; Hereditary neoplastic syndrome. Identifiers: Orphanet 140162, MedGen C0027672, MeSH D009386, MONDO:0015356.
Familial cancer of breast. Also called: BREAST CANCER, FAMILIAL; hereditary breast carcinoma; Hereditary breast cancer. Identifiers: Orphanet 227535, MedGen C0346153, MONDO:0016419, OMIM 114480. Disease mechanism: loss of function.
Ataxia-telangiectasia syndrome (AT). Also called: Ataxia-telangiectasia, complementation group D; AT, COMPLEMENTATION GROUP C; ATAXIA-TELANGIECTASIA, COMPLEMENTATION GROUP A; ATAXIA-TELANGIECTASIA, FRESNO VARIANT; Cerebello-oculocutaneous telangiectasia; Immunodeficiency with ataxia telangiectasia. Identifiers: Orphanet 100, MedGen C0004135, MONDO:0008840, OMIM 208900.
ATM-related cancer predisposition. Also called: ATM-related cancer susceptibility. Identifiers: MedGen CN377759, MONDO:0700270.
ATM-related disorder. Also called: ATM-related disorders; ATM-related condition.

Allele frequency attached by ClinVar (database versions not stated): gnomAD exomes below 0.00001 and 0.00001; TOPMed 0.00001; ExAC 0.00001; gnomAD 0.00001.
gnomAD v4.1: 5 of 1,613,850 alleles (0.00031%); highest among the groups gnomAD compares: Non-Finnish European, 0.00042%; no homozygotes.

Submissions (13):

Hema, HEMA – Genetic and Molecular Diagnostic Laboratory
Classification: Likely pathogenic for ATM-related cancer predisposition. Last evaluated: 2026-06-19. Review status: criteria provided, single submitter. Criteria: HEMA Variant Classification Assertion Criteria. Collection method: clinical testing. Allele origin: germline.
Comment: The c.4006G>T p.(Val1336Phe) variant is a transversion from guanine to thymine that results in the substitution of valine 1336 by phenylalanine in the MSH6 protein. BP4: The prior probability of pathogenicity score MAPP/PP2 is 0.01 (< 0.11).

Labcorp Genetics (formerly Invitae), Labcorp
Classification: Pathogenic for Ataxia-telangiectasia syndrome. Last evaluated: 2026-01-19. Review status: criteria provided, single submitter. Criteria: Invitae Variant Classification Sherloc (09022015). Collection method: clinical testing. Allele origin: germline.
Comment: This sequence change affects codon 565 of the ATM mRNA. It is a 'silent' change, meaning that it does not change the encoded amino acid sequence of the ATM protein. RNA analysis indicates that this variant induces altered splicing and may result in an absent or altered protein product. This variant is present in population databases (rs780932013, gnomAD 0.002%). This variant has not been reported in the literature in individuals affected with ATM-related conditions. ClinVar contains an entry for this variant (Variation ID: 407723). Studies have shown that this variant results in activation of a cryptic splice site, and produces a non-functional protein and/or introduces a premature termination codon (external communication, internal data). For these reasons, this variant has been classified as Pathogenic.

Ambry Genetics
Classification: Likely pathogenic for Hereditary cancer-predisposing syndrome. Last evaluated: 2025-12-01. Review status: criteria provided, single submitter. Criteria: Ambry Variant Classification Scheme 2023. Collection method: clinical testing. Allele origin: germline.
Comment: The c.1695A>G variant (also known as p.E565E), located in coding exon 10 of the ATM gene, results from an A to G substitution at nucleotide position 1695. This nucleotide substitution does not change the amino acid at codon 565. In silico splice site analysis predicts that this alteration will result in the creation or strengthening of a novel splice donor site. RNA studies have demonstrated that this alteration results in abnormal splicing in the set of samples tested (Ambry internal data). Based on the majority of available evidence to date, this variant is likely to be pathogenic.

PreventionGenetics, part of Exact Sciences
Classification: Likely pathogenic for ATM-related condition. Last evaluated: 2025-08-27. Review status: criteria provided, single submitter. Criteria: ACMG Guidelines, 2015. Collection method: clinical testing. Allele origin: germline.
Comment: The ATM c.1695A>G variant is not predicted to result in an amino acid change (p.=). This variant is predicted to alter splicing based on available splicing prediction programs (SpliceAI, Jaganathan et al. 2019. PubMed ID: 30661751). RNA sequencing data confirms this variant results in activation of a cryptic donor site within exon 12 that results in a frameshift and premature protein termination (c.1696_1802del, p.Val566*)." (Sha et al. 2025. PubMed ID: 39902189). This variant is reported in 0.0023% of alleles in individuals of European (Non-Finnish) descent in gnomAD. This variant has conflicting interpretations in ClinVar ranging from uncertain to pathogenic (Variation ID: 407723). This variant is interpreted as likely pathogenic.

Myriad Genetics, Inc.
Classification: Likely pathogenic for Familial cancer of breast. Last evaluated: 2025-07-10. Review status: criteria provided, single submitter. Criteria: Myriad Autosomal Dominant, Autosomal Recessive and X-Linked Classification Criteria (2023). Collection method: clinical testing. Allele origin: unknown.
Comment: This variant is considered likely pathogenic. mRNA analysis has demonstrated abnormal mRNA splicing occurs [Myriad internal data].

Molecular Diagnostics Laboratory, Catalan Institute of Oncology
Classification: Uncertain significance for Hereditary cancer-predisposing syndrome. Last evaluated: 2025-05-12. Review status: criteria provided, single submitter. Criteria: ClinGen ACMG Specifications ATM V1.1.0. Collection method: clinical testing. Allele origin: germline.
Comment: PVS1_O_Moderate, BP7 c.1695A>G, located in exon 11 of the ATM gene, is predicted to result in no amino acid change, p.(Glu565=) (BP7). This variant is found in 3/268144 alleles at a frequency of 0.0011% in the gnomAD v2.1.1 database, non-cancer dataset. The SpliceAI algorithm predicts the strengthening of a novel splice donor site at position 1695 (deltascore: 0.69). RNA analysis performed by LabCorp indicates that this variant induces altered splicing and may result in an absent or disrupted protein due to an out of frame product, r.1696_1802del (p.Val566*) that is predicted to undergo nonsense mediated decay (PVS1_O_Moderate).�To our knowledge, relevant clinical data have not been reported for this variant. It has been reported in ClinVar (5x LP, 3x VUS, 1x P). Based on the currently available information, c.1695A>G is classified as an uncertain significance variant according to ClinGen-ATM Guidelines version 1.1.

Women's Health and Genetics/Laboratory Corporation of America, LabCorp
Classification: Likely pathogenic for Ataxia-telangiectasia syndrome. Last evaluated: 2024-12-01. Review status: criteria provided, single submitter. Criteria: LabCorp Variant Classification Summary - May 2015. Collection method: clinical testing. Allele origin: germline.
Comment: Variant summary: ATM c.1695A>G alters a non-conserved nucleotide resulting in a synonymous change. Several computational tools predict a significant impact on normal splicing: four predict the variant strengthens a cryptic 5' donor site. Internal data on RNA analysis indicates that this variant induces altered splicing and may result in an absent or disrupted protein due to an out of frame product, r.1696_1802del (p.Val566*) that is predicted to undergo nonsense mediated decay (NMD) (Internal data). The variant allele was found at a frequency of 8e-06 in 251276 control chromosomes (gnomAD v2.1), including two carriers who were above age 75 year and were also part of the non-cancer datasets (gnomAD v2.1 and v3.1). The available data on variant occurrences in the general population are insufficient to allow any conclusion about variant significance. To our knowledge, no occurrence of c.1695A>G in individuals affected with Ataxia-Telangiectasia (or other ATM-related phenotypes) have been reported. ClinVar contains an entry for this variant (Variation ID: 407723), and at-least two ClinVar submitters reported abnormal splicing in the set of samples tested (Ambry and our partner laboratory Labcorp Genetics, formerly Invitae internal data). Based on the evidence outlined above, the variant was classified as likely pathogenic Autosomal Recessive Ataxia-Telangiectasia and Autosomal Dominant susceptibility to Breast Cancer.

Color Diagnostics, LLC DBA Color Health
Classification: Uncertain significance for Hereditary cancer-predisposing syndrome. Last evaluated: 2024-11-21. Review status: criteria provided, single submitter. Criteria: ACMG Guidelines, 2015. Collection method: clinical testing. Allele origin: germline.
Comment: This variant causes an A to G nucleotide substitution at the 1695 position of the ATM gene. Splice site prediction tools suggest that this variant may impact RNA splicing. This variant has been reported to impact RNA splicing by an external laboratory, however, detailed data are not available for review (ClinVar SCV000547136.8, SCV000660618.4). This variant has not been reported in individuals affected with hereditary cancer in the literature. This variant has been identified in 3/282680 chromosomes in the general population by the Genome Aggregation Database (gnomAD). The available evidence is insufficient to determine the role of this variant in disease conclusively. Therefore, this variant is classified as a Variant of Uncertain Significance.

Fulgent Genetics
Classification: Likely pathogenic for Familial cancer of breast; Ataxia-telangiectasia syndrome. Last evaluated: 2024-06-07. Review status: criteria provided, single submitter. Criteria: ACMG Guidelines, 2015. Collection method: clinical testing. Allele origin: germline.

GeneDx
Classification: Likely pathogenic. Last evaluated: 2023-11-02. Review status: criteria provided, single submitter. Criteria: GeneDx Variant Classification Process June 2021. Collection method: clinical testing. Allele origin: germline. Affected: yes.
Comment: Not observed at significant frequency in large population cohorts (gnomAD); In silico analysis supports a deleterious effect on splicing; Has not been previously published as pathogenic or benign to our knowledge

Baylor Genetics
Classification: Likely pathogenic for Familial cancer of breast. Last evaluated: 2023-10-22. Review status: criteria provided, single submitter. Criteria: ACMG Guidelines, 2015. Collection method: clinical testing. Allele origin: unknown.

Sema4
Classification: Uncertain significance for Hereditary cancer-predisposing syndrome. Last evaluated: 2021-05-30. Review status: criteria provided, single submitter. Criteria: Sema4 Curation Guidelines. Collection method: curation. Allele origin: germline.
Comment: The ATM c.1695A>G (p.E565=) variant has not been reported in the literature to our knowledge. This variant was observed in 3/129046 chromosomes in the Non-Finnish European subpopulation of the Genome Aggregation Database (PMID: 32461654). This variant has been reported in ClinVar (Variation ID 407723). In silico tools that predict the effect of sequence changes on splicing suggest that this variant may create or strengthen a splice site, though these predictions have not been confirmed by functional studies. The overall evidence is insufficient to meet ACMG/AMP criteria for classifying it as benign or pathogenic. In summary, the clinical significance of this variant is currently uncertain.

Department of Pathology and Laboratory Medicine, Sinai Health System
Classification: Uncertain significance for Familial cancer of breast. Last evaluated: 2021-01-18. Review status: criteria provided, single submitter. Criteria: ACMG Guidelines, 2015. Collection method: clinical testing. Allele origin: germline. Affected: yes.

Literature cited by the submitters: PubMed 39902189 (cited by Hema, HEMA – Genetic and Molecular Diagnostic Laboratory).

NM_000051.4(ATM):c.1695A>G (p.Glu565=)

Gene: ATM (ATM serine/threonine kinase; plus strand). Cytogenetic location: 11q22.3.
Variant type: single nucleotide variant.
Coding change: c.1695A>G on transcript NM_000051.4 (MANE Select); coding-DNA position 1695, A replaced by G.
Protein change: p.Glu565=; no amino-acid change (glutamic acid 565 retained).
Molecular consequence: synonymous variant.
Genome position (GRCh38, 1-based): chr11:108,251,924, A>G. VCF-style: chr11-108251924-A-G. GRCh37 (hg19) VCF-style: chr11-108122651-A-G.
Other names: c.1695A>G, p.Glu565= (NM_001351834.2).
Identifiers: ClinVar variation 407723 (VCV000407723.36), dbSNP rs780932013, ClinGen allele CA6264858.